The following is an entry in ClinVar:

ClinVar aggregate classification (germline): Uncertain significance. Review status: criteria provided, multiple submitters, no conflicts (2 of 4 stars). 4 submissions from 4 submitters: Uncertain significance (4). Last evaluated 2022-05-04.

Conditions:
Alstrom syndrome (ALMS). Identifiers: Orphanet 64, MedGen C0268425, MONDO:0008763, OMIM 203800.
Cardiovascular phenotype. Identifiers: MedGen CN230736.

Allele frequency attached by ClinVar (database versions not stated): gnomAD 0.00001; TOPMed 0.00001.
gnomAD v4.1: 13 of 1,613,106 alleles (0.00081%); highest among the groups gnomAD compares: African/African-American, 0.004%; no homozygotes.

Submissions (4):

Fulgent Genetics
Classification: Uncertain significance for Alstrom syndrome. Last evaluated: 2022-05-04. Review status: criteria provided, single submitter. Criteria: ACMG Guidelines, 2015. Collection method: clinical testing. Allele origin: unknown.

Labcorp Genetics (formerly Invitae), Labcorp
Classification: Uncertain significance for Alstrom syndrome. Last evaluated: 2022-03-08. Review status: criteria provided, single submitter. Criteria: Invitae Variant Classification Sherloc (09022015). Collection method: clinical testing. Allele origin: germline.
Comment: In summary, the available evidence is currently insufficient to determine the role of this variant in disease. Therefore, it has been classified as a Variant of Uncertain Significance. Experimental studies and prediction algorithms are not available or were not evaluated, and the functional significance of this variant is currently unknown. This variant has not been reported in the literature in individuals affected with ALMS1-related conditions. This variant is present in population databases (no rsID available, gnomAD 0.0009%). This sequence change replaces glycine with aspartic acid at codon 1373 of the ALMS1 protein (p.Gly1373Asp). The glycine residue is weakly conserved and there is a moderate physicochemical difference between glycine and aspartic acid.

Department of Pathology and Laboratory Medicine, Sinai Health System
Classification: Uncertain significance for Alstrom syndrome. Last evaluated: 2022-01-20. Review status: criteria provided, single submitter. Criteria: ACMG Guidelines, 2015. Collection method: research. Allele origin: germline.

Ambry Genetics
Classification: Uncertain significance for Cardiovascular phenotype. Last evaluated: 2021-03-03. Review status: criteria provided, single submitter. Criteria: Ambry Variant Classification Scheme 2023. Collection method: clinical testing. Allele origin: germline.
Comment: The p.G1373D variant (also known as c.4118G>A), located in coding exon 8 of the ALMS1 gene, results from a G to A substitution at nucleotide position 4118. The glycine at codon 1373 is replaced by aspartic acid, an amino acid with similar properties. This amino acid position is well conserved in available vertebrate species. In addition, this alteration is predicted to be tolerated by in silico analysis. Since supporting evidence is limited at this time, the clinical significance of this alteration remains unclear.

NM_001378454.1(ALMS1):c.4115G>A (p.Gly1372Asp)

Gene: ALMS1 (ALMS1 centrosome and basal body associated protein; plus strand). Cytogenetic location: 2p13.1.
Variant type: single nucleotide variant.
Coding change: c.4115G>A on transcript NM_001378454.1 (MANE Select); coding-DNA position 4115, G replaced by A.
Protein change: p.Gly1372Asp; replaces glycine 1372 with aspartic acid.
Molecular consequence: missense variant.
Genome position (GRCh38, 1-based): chr2:73,450,642, G>A. VCF-style: chr2-73450642-G-A. GRCh37 (hg19) VCF-style: chr2-73677769-G-A.
Other names: c.4118G>A, p.Gly1373Asp (NM_015120.4); short protein forms G1372D, G1373D.
Identifiers: ClinVar variation 1416507 (VCV001416507.10), dbSNP rs1439442789, ClinGen allele CA347277491.
Genomic context (GRCh38, chr2:73,450,642, plus strand): 5'-ATCCAACTGAAGAGGCTCTGAAAATTTCAGTTGCCTCTGAACCAGTTGACCAGACAACTG[G>A]CACACCAACTGTAACCTCTACTTCTTACTCACAACATACAGAGAAGCCGAGTATTTTCTA-3'
Protein context (NP_001365383.1, residues 1362-1382): VASEPVDQTT[Gly1372Asp]TPTVTSTSYS